The following is an entry in ClinVar:

ClinVar aggregate classification (germline): Likely benign. Review status: criteria provided, single submitter (1 of 4 stars). 2 submissions from 2 submitters: Likely benign (1). 1 of the submissions does not count toward it. Last evaluated 2026-01-04.

Conditions:
FOCAD-related disorder. Also called: FOCAD-related condition.

Allele frequency attached by ClinVar (database versions not stated): gnomAD exomes 0.00004; 1000 Genomes Project 30x 0.00016; 1000 Genomes Project 0.00020; ExAC 0.00012; ESP Exome Variant Server 0.00046; gnomAD 0.00049.
gnomAD v4.1: 137 of 1,614,164 alleles (0.0085%); highest among the groups gnomAD compares: African/African-American, 0.16%; no homozygotes.

Submissions (2):

Labcorp Genetics (formerly Invitae), Labcorp
Classification: Likely benign. Last evaluated: 2026-01-04. Review status: criteria provided, single submitter. Criteria: Invitae Variant Classification Sherloc (09022015). Collection method: clinical testing. Allele origin: germline.

PreventionGenetics, part of Exact Sciences
Classification: Likely benign for FOCAD-related condition. Last evaluated: 2024-01-11. Review status: no assertion criteria provided. Collection method: clinical testing. Allele origin: germline. Not counted in ClinVar's aggregate classification.
Comment: This variant is classified as likely benign based on ACMG/AMP sequence variant interpretation guidelines (Richards et al. 2015 PMID: 25741868, with internal and published modifications).

NM_001375567.1(FOCAD):c.555A>G (p.Pro185=)

Gene: FOCAD (focadhesin; plus strand). Cytogenetic location: 9p21.3.
Variant type: single nucleotide variant.
Coding change: c.555A>G on transcript NM_001375567.1 (MANE Select); coding-DNA position 555, A replaced by G.
Protein change: p.Pro185=; no amino-acid change (proline 185 retained).
Molecular consequence: synonymous variant.
Genome position (GRCh38, 1-based): chr9:20,764,929, A>G. VCF-style: chr9-20764929-A-G. GRCh37 (hg19) VCF-style: chr9-20764928-A-G.
Other names: c.555A>G, p.Pro185= (NM_001375568.1, NM_017794.5); c.450A>G, p.Pro150= (NM_001375570.1).
Identifiers: ClinVar variation 3048936 (VCV003048936.4), dbSNP rs148930782, ClinGen allele CA5006399.
Genomic context (GRCh38, chr9:20,764,929, plus strand): 5'-GTTAGAAGTTTCATGCATTCAAATAATGGCACCATTTCTGTGGTATCTGTATTGTGAACC[A>G]TCTCAGTTACAAGAATATGCTAAACTCCGACTAGCCCTGCTGAAAGTCTTACTTCAACCC-3'
Protein context (NP_001362496.1, residues 175-195): APFLWYLYCE[Pro185=]SQLQEYAKLR